The following is an entry in ClinVar:

ClinVar aggregate classification (germline): Conflicting classifications of pathogenicity. Review status: criteria provided, conflicting classifications (1 of 4 stars). 3 submissions from 3 submitters: Uncertain significance (2); Likely benign (1). Last evaluated 2024-09-30.

Allele frequency attached by ClinVar (database versions not stated): gnomAD exomes 0.00001; ExAC 0.00002.
gnomAD v4.1: 12 of 1,613,440 alleles (0.00074%); highest among the groups gnomAD compares: Middle Eastern, 0.016%; no homozygotes.

Submissions (3):

Women's Health and Genetics/Laboratory Corporation of America, LabCorp
Classification: Uncertain significance. Last evaluated: 2024-09-30. Review status: criteria provided, single submitter. Criteria: LabCorp Variant Classification Summary - May 2015. Collection method: clinical testing. Allele origin: germline.
Comment: Variant summary: COL11A1 c.1744C>T (p.Pro582Ser) results in a non-conservative amino acid change in the encoded protein sequence. Three of five in-silico tools predict a damaging effect of the variant on protein function. The variant allele was found at a frequency of 1.2e-05 in 250412 control chromosomes. The available data on variant occurrences in the general population are insufficient to allow any conclusion about variant significance. To our knowledge, no occurrence of c.1744C>T in individuals affected with Stickler Syndrome and no experimental evidence demonstrating its impact on protein function have been reported. ClinVar contains an entry for this variant (Variation ID: 1207783). Based on the evidence outlined above, the variant was classified as uncertain significance.

Labcorp Genetics (formerly Invitae), Labcorp
Classification: Likely benign. Last evaluated: 2022-07-12. Review status: criteria provided, single submitter. Criteria: Invitae Variant Classification Sherloc (09022015). Collection method: clinical testing. Allele origin: germline.

GeneDx
Classification: Uncertain significance. Last evaluated: 2021-06-28. Review status: criteria provided, single submitter. Criteria: GeneDx Variant Classification Process June 2021. Collection method: clinical testing. Allele origin: germline. Affected: yes.
Comment: Not observed at significant frequency in large population cohorts (Lek et al., 2016); In silico analysis supports that this missense variant does not alter protein structure/function; Has not been previously published as pathogenic or benign to our knowledge; This variant is associated with the following publications: (PMID: 27535533)

NM_001854.4(COL11A1):c.1744C>T (p.Pro582Ser)

Gene: COL11A1 (collagen type XI alpha 1 chain; minus strand). Cytogenetic location: 1p21.1.
Variant type: single nucleotide variant.
Coding change: c.1744C>T on transcript NM_001854.4 (MANE Select); coding-DNA position 1744, C replaced by T.
Protein change: p.Pro582Ser; replaces proline 582 with serine.
Molecular consequence: missense variant. On other transcripts: non-coding transcript variant (1).
Genome position (GRCh38, 1-based): chr1:103,006,115, G>A on the plus strand (C>T on the coding strand, the complement: COL11A1 is on the minus strand). VCF-style: chr1-103006115-G-A. GRCh37 (hg19) VCF-style: chr1-103471671-G-A.
Other names: c.1627C>T, p.Pro543Ser (NM_001190709.2); c.1780C>T, p.Pro594Ser (NM_080629.3); c.1396C>T, p.Pro466Ser (NM_080630.4); short protein forms P466S, P543S, P582S, P594S.
Identifiers: ClinVar variation 1207783 (VCV001207783.9), dbSNP rs746192125, ClinGen allele CA974831.